The following is an entry in ClinVar:

NM_000361.3(THBD):c.1076A>G (p.Asp359Gly)

Gene: THBD (thrombomodulin; minus strand). Cytogenetic location: 20p11.21.
Variant type: single nucleotide variant.
Coding change: c.1076A>G on transcript NM_000361.3 (MANE Select); coding-DNA position 1076, A replaced by G.
Protein change: p.Asp359Gly; replaces aspartic acid 359 with glycine.
Molecular consequence: missense variant.
Genome position (GRCh38, 1-based): chr20:23,048,429, T>C on the plus strand (A>G on the coding strand, the complement: THBD is on the minus strand). VCF-style: chr20-23048429-T-C. GRCh37 (hg19) VCF-style: chr20-23029066-T-C.
Other names: short protein forms D359G.
Identifiers: ClinVar variation 3587117 (VCV003587117.3).

ClinVar aggregate classification (germline): Uncertain significance. Review status: criteria provided, multiple submitters, no conflicts (2 of 4 stars). 2 submissions from 2 submitters: Uncertain significance (2). Last evaluated 2024-04-09.

Conditions:
Atypical hemolytic-uremic syndrome with thrombomodulin anomaly. Also called: HEMOLYTIC UREMIC SYNDROME, ATYPICAL, SUSCEPTIBILITY TO, 6; AHUS, SUSCEPTIBILITY TO, 6. Identifiers: MedGen C2752036, MONDO:0013044, OMIM 612926. Disease mechanism: gain of function.
Thrombomodulin-related bleeding disorder (THPH12). Also called: Thrombophilia due to thrombomodulin defect. Identifiers: Orphanet 436169, MedGen C3280976, MONDO:0013775, OMIM 614486.

Submissions (2):

Labcorp Genetics (formerly Invitae), Labcorp
Classification: Uncertain significance. Last evaluated: 2024-04-09. Review status: criteria provided, single submitter. Criteria: Invitae Variant Classification Sherloc (09022015). Collection method: clinical testing. Allele origin: germline.
Comment: This sequence change replaces aspartic acid, which is acidic and polar, with glycine, which is neutral and non-polar, at codon 359 of the THBD protein (p.Asp359Gly). This variant is not present in population databases (gnomAD no frequency). This variant has not been reported in the literature in individuals affected with THBD-related conditions. Advanced modeling of protein sequence and biophysical properties (such as structural, functional, and spatial information, amino acid conservation, physicochemical variation, residue mobility, and thermodynamic stability) performed at Invitae indicates that this missense variant is not expected to disrupt THBD protein function with a negative predictive value of 80%. In summary, the available evidence is currently insufficient to determine the role of this variant in disease. Therefore, it has been classified as a Variant of Uncertain Significance.

Fulgent Genetics
Classification: Uncertain significance for Atypical hemolytic-uremic syndrome with thrombomodulin anomaly; Thrombomodulin-related bleeding disorder. Last evaluated: 2024-03-02. Review status: criteria provided, single submitter. Criteria: ACMG Guidelines, 2015. Collection method: clinical testing. Allele origin: germline.